The following is an entry in ClinVar:

NM_000428.3(LTBP2):c.3931A>C (p.Thr1311Pro)

Gene: LTBP2 (latent transforming growth factor beta binding protein 2; minus strand). Cytogenetic location: 14q24.3.
Variant type: single nucleotide variant.
Coding change: c.3931A>C on transcript NM_000428.3 (MANE Select); coding-DNA position 3931, A replaced by C.
Protein change: p.Thr1311Pro; replaces threonine 1311 with proline.
Molecular consequence: missense variant.
Genome position (GRCh38, 1-based): chr14:74,506,800, T>G on the plus strand (A>C on the coding strand, the complement: LTBP2 is on the minus strand). VCF-style: chr14-74506800-T-G. GRCh37 (hg19) VCF-style: chr14-74973503-T-G.
Other names: c.3931A>C (NM_000428.2); short protein forms T1311P.
Identifiers: ClinVar variation 1371340 (VCV001371340.7), dbSNP rs761055280, ClinGen allele CA7268938.

ClinVar aggregate classification (germline): Uncertain significance. Review status: criteria provided, multiple submitters, no conflicts (2 of 4 stars). 2 submissions from 2 submitters: Uncertain significance (2). Last evaluated 2023-12-31.

Conditions:
Inborn genetic diseases. Identifiers: MedGen C0950123, MeSH D030342.

Allele frequency attached by ClinVar (database versions not stated): gnomAD exomes 0.00004; TOPMed 0.00005; ExAC 0.00006; gnomAD 0.00006.
gnomAD v4.1: 96 of 1,613,886 alleles (0.0059%); highest among the groups gnomAD compares: Non-Finnish European, 0.0074%; no homozygotes.

Submissions (2):

Labcorp Genetics (formerly Invitae), Labcorp
Classification: Uncertain significance. Last evaluated: 2023-12-31. Review status: criteria provided, single submitter. Criteria: Invitae Variant Classification Sherloc (09022015). Collection method: clinical testing. Allele origin: germline.
Comment: This sequence change replaces threonine, which is neutral and polar, with proline, which is neutral and non-polar, at codon 1311 of the LTBP2 protein (p.Thr1311Pro). This variant is present in population databases (rs761055280, gnomAD 0.008%). This variant has not been reported in the literature in individuals affected with LTBP2-related conditions. ClinVar contains an entry for this variant (Variation ID: 1371340). An algorithm developed to predict the effect of missense changes on protein structure and function (PolyPhen-2) suggests that this variant is likely to be disruptive. In summary, the available evidence is currently insufficient to determine the role of this variant in disease. Therefore, it has been classified as a Variant of Uncertain Significance.

Ambry Genetics
Classification: Uncertain significance for Inborn genetic diseases. Last evaluated: 2023-09-25. Review status: criteria provided, single submitter. Criteria: Ambry Variant Classification Scheme 2023. Collection method: clinical testing. Allele origin: germline.